The following is an entry in ClinVar:

NM_001111.5(ADAR):c.3443+1G>T

Gene: ADAR (adenosine deaminase RNA specific; minus strand). Cytogenetic location: 1q21.3.
Variant type: single nucleotide variant.
Coding change: c.3443+1G>T on transcript NM_001111.5 (MANE Select); the canonical splice donor site of the intron after coding-DNA position 3443, G replaced by T.
Molecular consequence: splice donor variant.
Genome position (GRCh38, 1-based): chr1:154,585,216, C>A on the plus strand (G>T on the coding strand, the complement: ADAR is on the minus strand). VCF-style: chr1-154585216-C-A. GRCh37 (hg19) VCF-style: chr1-154557692-C-A.
Other names: c.2558+1G>T (NM_001365046.1, NM_001025107.3, NM_001365048.1 and 2 more transcripts); c.3470+1G>T (NM_001365045.1); c.2480+1G>T (NM_001365049.1); c.3308+1G>T (NM_015841.4); c.3365+1G>T (NM_015840.4).
Identifiers: ClinVar variation 3759746 (VCV003759746.2).
Genomic context (GRCh38, chr1:154,585,216, plus strand): 5'-GATGCACCCTTGCAAGTCAGGGCAGAGGCTTGGTCCTCACTGCGCTCTCCTGTCTCCTTA[C>A]CCATCCACAGTGCCTCTGGTACCGTCCAGGATCTCCAGGTCATAGCCATCAGCCAGACAC-3'

ClinVar aggregate classification (germline): Uncertain significance (1 of 4 stars; one submission).

Conditions:
Symmetrical dyschromatosis of extremities (DSH). Also called: DYSCHROMATOSIS SYMMETRICA HEREDITARIA 1; RETICULATE ACROPIGMENTATION OF DOHI; SYMMETRIC DYSCHROMATOSIS OF THE EXTREMITIES; Dyschromatosis symmetrica hereditaria. Identifiers: Orphanet 41, MedGen C0406775, MONDO:0007483, OMIM 127400.
Aicardi-Goutieres syndrome 6 (AGS6). Identifiers: Orphanet 51, MedGen C3539013, MONDO:0014007, OMIM 615010.

Submission:

Labcorp Genetics (formerly Invitae), Labcorp
Classification: Uncertain significance for Aicardi-Goutieres syndrome 6; Symmetrical dyschromatosis of extremities. Last evaluated: 2024-11-11. Review status: criteria provided, single submitter. Criteria: Invitae Variant Classification Sherloc (09022015). Collection method: clinical testing. Allele origin: germline.
Comment: This sequence change affects a donor splice site in intron 14 of the ADAR gene. While this variant is not anticipated to result in nonsense mediated decay, it likely alters RNA splicing and results in a disrupted protein product. This variant is not present in population databases (gnomAD no frequency). Disruption of this splice site has been observed in individual(s) with atypical Aicardi-Goutieres syndrome (PMID: 33307271). Variants that disrupt the consensus splice site are a relatively common cause of aberrant splicing (PMID: 17576681, 9536098). Algorithms developed to predict the effect of sequence changes on RNA splicing suggest that this variant may disrupt the consensus splice site. In summary, the available evidence is currently insufficient to determine the role of this variant in disease. Therefore, it has been classified as a Variant of Uncertain Significance.

Literature cited by the submitters: PubMed 33307271; PubMed 17576681; PubMed 9536098.